The following is an entry in ClinVar:

NM_000288.4(PEX7):c.542G>T (p.Arg181Ile)

Gene: PEX7 (peroxisomal biogenesis factor 7; plus strand). Cytogenetic location: 6q23.3.
Variant type: single nucleotide variant.
Coding change: c.542G>T on transcript NM_000288.4 (MANE Select); coding-DNA position 542, G replaced by T.
Protein change: p.Arg181Ile; replaces arginine 181 with isoleucine.
Molecular consequence: missense variant.
Genome position (GRCh38, 1-based): chr6:136,866,642, G>T. VCF-style: chr6-136866642-G-T. GRCh37 (hg19) VCF-style: chr6-137187780-G-T.
Other names: c.428G>T, p.Arg143Ile (NM_001410945.1); short protein forms R143I, R181I.
Identifiers: ClinVar variation 1905182 (VCV001905182.2), dbSNP rs771872489, ClinGen allele CA4017657.

ClinVar aggregate classification (germline): Uncertain significance (1 of 4 stars; one submission).

Conditions:
Peroxisome biogenesis disorder 9B. Also called: PEX7-Related Refsum Disease; Refsum disease, adult, 2; PEROXISOME BIOGENESIS DISORDER, PEX7-RELATED, ATYPICAL. Identifiers: Orphanet 773, MedGen C2749346, MONDO:0013945, OMIM 614879.

Allele frequency attached by ClinVar (database versions not stated): TOPMed below 0.00001; gnomAD exomes 0.00001; ExAC 0.00001.
gnomAD v4.1: 4 of 1,614,002 alleles (0.00025%); highest among the groups gnomAD compares: Admixed American, 0.0067%; no homozygotes.

Submission:

Labcorp Genetics (formerly Invitae), Labcorp
Classification: Uncertain significance for Peroxisome biogenesis disorder 9B. Last evaluated: 2022-08-07. Review status: criteria provided, single submitter. Criteria: Invitae Variant Classification Sherloc (09022015). Collection method: clinical testing. Allele origin: germline.
Comment: This sequence change replaces arginine, which is basic and polar, with isoleucine, which is neutral and non-polar, at codon 181 of the PEX7 protein (p.Arg181Ile). This variant is present in population databases (rs771872489, gnomAD 0.01%). This variant has not been reported in the literature in individuals affected with PEX7-related conditions. Algorithms developed to predict the effect of missense changes on protein structure and function are either unavailable or do not agree on the potential impact of this missense change (SIFT: "Deleterious"; PolyPhen-2: "Probably Damaging"; Align-GVGD: "Class C0"). In summary, the available evidence is currently insufficient to determine the role of this variant in disease. Therefore, it has been classified as a Variant of Uncertain Significance.